The following is an entry in ClinVar:

NM_001042603.3(KDM5A):c.103T>C (p.Phe35Leu)

Gene: KDM5A (lysine demethylase 5A; minus strand). Cytogenetic location: 12p13.33.
Variant type: single nucleotide variant.
Coding change: c.103T>C on transcript NM_001042603.3 (MANE Select); coding-DNA position 103, T replaced by C.
Protein change: p.Phe35Leu; replaces phenylalanine 35 with leucine.
Molecular consequence: missense variant.
Genome position (GRCh38, 1-based): chr12:388,989, A>G on the plus strand (T>C on the coding strand, the complement: KDM5A is on the minus strand). VCF-style: chr12-388989-A-G. GRCh37 (hg19) VCF-style: chr12-498155-A-G.
Other names: short protein forms F35L.
Identifiers: ClinVar variation 2635432 (VCV002635432.1), dbSNP rs2498424875, ClinGen allele CA383634576.

ClinVar aggregate classification (germline): Uncertain significance (1 of 4 stars; one submission).

Conditions:
KDM5A-related disorder. Also called: KDM5A-related condition.

Submission:

PreventionGenetics, part of Exact Sciences
Classification: Uncertain significance for KDM5A-related condition. Last evaluated: 2022-11-16. Review status: criteria provided, single submitter. Criteria: ACMG Guidelines, 2015. Collection method: clinical testing. Allele origin: germline.
Comment: The KDM5A c.103T>C variant is predicted to result in the amino acid substitution p.Phe35Leu. To our knowledge, this variant has not been reported in the literature or in a large population database, indicating this variant is rare. At this time, the clinical significance of this variant is uncertain due to the absence of conclusive functional and genetic evidence.